The following is an entry in ClinVar:

NM_018847.4(KLHL9):c.1774C>G (p.Leu592Val)

Gene: KLHL9 (kelch like family member 9; minus strand). Cytogenetic location: 9p21.3.
Variant type: single nucleotide variant.
Coding change: c.1774C>G on transcript NM_018847.4 (MANE Select); coding-DNA position 1774, C replaced by G.
Protein change: p.Leu592Val; replaces leucine 592 with valine.
Molecular consequence: missense variant.
Genome position (GRCh38, 1-based): chr9:21,333,086, G>C on the plus strand (C>G on the coding strand, the complement: KLHL9 is on the minus strand). VCF-style: chr9-21333086-G-C. GRCh37 (hg19) VCF-style: chr9-21333085-G-C.
Other names: short protein forms L592V.
Identifiers: ClinVar variation 1397215 (VCV001397215.8), dbSNP rs2133030186, ClinGen allele CA373066448.

ClinVar aggregate classification (germline): Uncertain significance (1 of 4 stars; one submission).

gnomAD v4.1: 2 of 1,614,174 alleles (0.00012%); highest among the groups gnomAD compares: African/African-American, 0.0013%; no homozygotes.

Submission:

Labcorp Genetics (formerly Invitae), Labcorp
Classification: Uncertain significance. Last evaluated: 2021-05-25. Review status: criteria provided, single submitter. Criteria: Invitae Variant Classification Sherloc (09022015). Collection method: clinical testing. Allele origin: germline.
Comment: This variant has not been reported in the literature in individuals with KLHL9-related conditions. This variant is not present in population databases (ExAC no frequency). This sequence change replaces leucine with valine at codon 592 of the KLHL9 protein (p.Leu592Val). The leucine residue is highly conserved and there is a small physicochemical difference between leucine and valine. Algorithms developed to predict the effect of missense changes on protein structure and function are either unavailable or do not agree on the potential impact of this missense change (SIFT: "Not Available"; PolyPhen-2: "Possibly Damaging"; Align-GVGD: "Not Available"). In summary, the available evidence is currently insufficient to determine the role of this variant in disease. Therefore, it has been classified as a Variant of Uncertain Significance.